The following is an entry in ClinVar:

ClinVar aggregate classification (germline): Uncertain significance. Review status: criteria provided, single submitter (1 of 4 stars). 2 submissions from 2 submitters: Uncertain significance (1). 1 of the submissions does not count toward it. Last evaluated 2023-12-12.

Conditions:
Glaucoma 1, open angle, E. Identifiers: MedGen C1842026, MONDO:0007665.
Primary open angle glaucoma (POAG). Also called: OPTN-related open angle glaucoma. Identifiers: MedGen C0339573, MONDO:0100553, OMIM 137760.
Amyotrophic lateral sclerosis type 12 (ALS12). Also called: AMYOTROPHIC LATERAL SCLEROSIS 12 WITH OR WITHOUT FRONTOTEMPORAL DEMENTIA. Identifiers: Orphanet 803, MedGen C3150692, MONDO:0013264, OMIM 613435.
OPTN-related disorder. Also called: OPTN-related condition; OPTN-related disorders.

Allele frequency attached by ClinVar (database versions not stated): gnomAD exomes below 0.00001.
gnomAD v4.1: 5 of 1,613,940 alleles (0.00031%); highest among the groups gnomAD compares: East Asian, 0.0045%; no homozygotes.

Submissions (2):

Labcorp Genetics (formerly Invitae), Labcorp
Classification: Uncertain significance for Primary open angle glaucoma; Glaucoma 1, open angle, E; Amyotrophic lateral sclerosis type 12. Last evaluated: 2023-12-12. Review status: criteria provided, single submitter. Criteria: Invitae Variant Classification Sherloc (09022015). Collection method: clinical testing. Allele origin: germline.
Comment: This sequence change replaces serine, which is neutral and polar, with tyrosine, which is neutral and polar, at codon 212 of the OPTN protein (p.Ser212Tyr). This variant is present in population databases (no rsID available, gnomAD 0.006%). This variant has not been reported in the literature in individuals affected with OPTN-related conditions. Advanced modeling of protein sequence and biophysical properties (such as structural, functional, and spatial information, amino acid conservation, physicochemical variation, residue mobility, and thermodynamic stability) performed at Invitae indicates that this missense variant is not expected to disrupt OPTN protein function with a negative predictive value of 80%. In summary, the available evidence is currently insufficient to determine the role of this variant in disease. Therefore, it has been classified as a Variant of Uncertain Significance.

PreventionGenetics, part of Exact Sciences
Classification: Uncertain significance for OPTN-related condition. Last evaluated: 2024-06-28. Review status: no assertion criteria provided. Collection method: clinical testing. Allele origin: germline. Not counted in ClinVar's aggregate classification.
Comment: The OPTN c.635C>A variant is predicted to result in the amino acid substitution p.Ser212Tyr. To our knowledge, this variant has not been reported in the literature. This variant is reported in 0.0054% of alleles in individuals of East Asian descent in gnomAD. At this time, the clinical significance of this variant is uncertain due to the absence of conclusive functional and genetic evidence.

NM_001008212.2(OPTN):c.635C>A (p.Ser212Tyr)

Gene: OPTN (optineurin; plus strand). Cytogenetic location: 10p13.
Variant type: single nucleotide variant.
Coding change: c.635C>A on transcript NM_001008212.2 (MANE Select); coding-DNA position 635, C replaced by A.
Protein change: p.Ser212Tyr; replaces serine 212 with tyrosine.
Molecular consequence: missense variant.
Genome position (GRCh38, 1-based): chr10:13,118,896, C>A. VCF-style: chr10-13118896-C-A. GRCh37 (hg19) VCF-style: chr10-13160896-C-A.
Other names: c.635C>A, p.Ser212Tyr (NM_001008211.1, NM_001008213.1, NM_021980.4); short protein forms S212Y.
Identifiers: ClinVar variation 2921635 (VCV002921635.4), dbSNP rs1450047435, ClinGen allele CA376028349.